The following is an entry in ClinVar:

ClinVar aggregate classification (germline): Pathogenic/Likely pathogenic. Review status: criteria provided, multiple submitters, no conflicts (2 of 4 stars). 2 submissions from 2 submitters: Pathogenic (1); Likely pathogenic (1). Last evaluated 2025-12-17.

Conditions:
Nemaline myopathy 2 (NEM2). Also called: Nemaline myopathy 2, autosomal recessive. Identifiers: MedGen C1850569, MONDO:0009725, OMIM 256030.

Submissions (2):

Natera, Inc.
Classification: Likely pathogenic for Nemaline myopathy type 2. Last evaluated: 2025-12-17. Review status: criteria provided, single submitter. Criteria: Natera Variant Classification Schema (03/2026). Collection method: clinical testing. Allele origin: germline.
Comment: The c.13756C>T variant in NEB is a nonsense variant predicted to introduce a stop codon at amino acid 4586. This variant is expected to result in nonsense mediated decay, truncation, or a dysfunctional protein product. This variant is rare in the general population with a frequency below the threshold expected for the associated phenotype(s). Given the available evidence, this variant is classified as Likely Pathogenic.

Labcorp Genetics (formerly Invitae), Labcorp
Classification: Pathogenic for Nemaline myopathy 2. Last evaluated: 2025-08-18. Review status: criteria provided, single submitter. Criteria: Invitae Variant Classification Sherloc (09022015). Collection method: clinical testing. Allele origin: germline.
Comment: This variant occurs in a region of NEB (Exons 82-105) consisting of three highly homologous 8-exon repeat units (exons 82-89, exons 90-97, exons 98-105). Sequence variants in this region can be detected, but this assay cannot determine which of the three repeat units is affected, and zygosity is often ambiguous. All variants in this region are reported relative to the exon 82-89 repeat. This sequence change creates a premature translational stop signal (p.Gln4586*) in the NEB gene. It is expected to result in an absent or disrupted protein product. Loss-of-function variants in NEB are known to be pathogenic (PMID: 25205138). The frequency data for this variant in the population databases (gnomAD) is considered unreliable due to the presence of homologous sequence, such as pseudogenes or paralogs, in the genome. This variant has not been reported in the literature in individuals affected with NEB-related conditions. ClinVar contains an entry for this variant (Variation ID: 574810). For these reasons, this variant has been classified as Pathogenic.

Literature cited by the submitters: PubMed 25205138 (cited by Labcorp Genetics (formerly Invitae), Labcorp).

NM_001164508.2(NEB):c.13756C>T (p.Gln4586Ter)

Gene: NEB (nebulin; minus strand). Cytogenetic location: 2q23.3.
Variant type: single nucleotide variant.
Coding change: c.13756C>T on transcript NM_001164508.2 (MANE Select); coding-DNA position 13756, C replaced by T.
Protein change: p.Gln4586Ter; replaces glutamine 4586 with a stop codon.
Molecular consequence: nonsense. On other transcripts: intron variant (1).
Genome position (GRCh38, 1-based): chr2:151,600,474, G>A on the plus strand (C>T on the coding strand, the complement: NEB is on the minus strand). VCF-style: chr2-151600474-G-A. GRCh37 (hg19) VCF-style: chr2-152456988-G-A.
Other names: c.13756C>T, p.Gln4586Ter (NM_001164507.2, NM_001271208.2); c.11601+9335C>T (NM_004543.5); short protein forms Q4586*.
Identifiers: ClinVar variation 574810 (VCV000574810.9), dbSNP rs1560283028, ClinGen allele CA348768142.